The following is an entry in ClinVar:

ClinVar aggregate classification (germline): Likely pathogenic. Review status: reviewed by expert panel (3 of 4 stars). 2 submissions from 2 submitters: Likely pathogenic (1). 1 of the submissions does not count toward it. Last evaluated 2026-10-05.

Conditions:
Hereditary thrombocytopenia and hematologic cancer predisposition syndrome. Identifiers: Orphanet 71290, MedGen CN281654, MONDO:0011071.
Hereditary thrombocytopenia and hematological cancer predisposition syndrome associated with RUNX1. Also called: PLATELET DISORDER, ASPIRIN-LIKE; Familial Platelet Disorder with Propensity to Acute Myelogenous Leukemia; Familial thrombocytopenia with propensity to acute myelogenous leukemia; RUNX1 Familial Platelet Disorder with Associated Myeloid Malignancies. Identifiers: Orphanet 71290, MedGen C1832388, MeSH C563324, MONDO:0100083, OMIM 601399.

Submissions (2):

ClinGen Myeloid Malignancy Variant Curation Expert Panel
Classification: Likely pathogenic for Hereditary thrombocytopenia and hematologic cancer predisposition syndrome. Last evaluated: 2026-10-05. Review status: reviewed by expert panel. Criteria: ClinGen MyeloMalig ACMG Specifications V3.1. Collection method: curation. Allele origin: germline. Inheritance: Autosomal dominant inheritance.
Comment: NM_001754.5(RUNX1):c.1295dup (p.Cys432TrpfsTer?) is a frameshift variant which is not predicted to undergo NMD (PVS1_Strong). This variant is downstream of c.98 (PM5_Supporting) and is completely absent from all population databases with at least 20x coverage for RUNX1 (PM2_Supporting). In summary, this variant meets criteria to be classified as likely pathogenic. ACMG/AMP criteria applied, as specified by the ClinGen Myeloid Malignancy Variant Curation Expert Panel for RUNX1: PVS1_Strong, PM5_Supporting, PM2_Supporting.

Labcorp Genetics (formerly Invitae), Labcorp
Classification: Uncertain significance for Hereditary thrombocytopenia and hematological cancer predisposition syndrome associated with RUNX1. Last evaluated: 2024-04-17. Review status: criteria provided, single submitter. Criteria: Invitae Variant Classification Sherloc (09022015). Collection method: clinical testing. Allele origin: germline. Not counted in ClinVar's aggregate classification.
Comment: This sequence change results in a frameshift in the RUNX1 gene (p.Cys432Trpfs*168). While this is not anticipated to result in nonsense mediated decay, it is expected to disrupt the last 49 amino acid(s) of the RUNX1 protein and extend the protein by 119 additional amino acid residues. This variant is not present in population databases (gnomAD no frequency). This variant has not been reported in the literature in individuals affected with RUNX1-related conditions. In summary, the available evidence is currently insufficient to determine the role of this variant in disease. Therefore, it has been classified as a Variant of Uncertain Significance.

NM_001754.5(RUNX1):c.1295dup (p.Cys432fs)

Gene: RUNX1 (RUNX family transcription factor 1; minus strand). Cytogenetic location: 21q22.12.
Variant type: Duplication.
Coding change: c.1295dup on transcript NM_001754.5 (MANE Select); coding-DNA position 1295, one base duplicated (G; older notation c.1295dupG).
Protein change: p.Cys432fs; shifts the reading frame from cysteine 432.
Molecular consequence: frameshift variant.
Genome position (GRCh38, 1-based): chr21:34,792,283, C duplicated on the plus strand (G on the coding strand, the reverse complement: RUNX1 is on the minus strand). VCF-style (leftmost placement, unchanged base first): chr21-34792282-G-GC. GRCh37 (hg19) VCF-style: chr21-36164579-G-GC.
Other names: NM_001754.5(RUNX1):c.1295dup; p.Cys432fs; c.1214dup, p.Cys405fs (NM_001001890.3); short protein forms C432fs, C405fs.
Identifiers: ClinVar variation 2857331 (VCV002857331.5), dbSNP rs2516815693, ClinGen allele CA2739267604.